The following is an entry in ClinVar:

NM_032888.4(COL27A1):c.4972C>T (p.Gln1658Ter)

Gene: COL27A1 (collagen type XXVII alpha 1 chain; plus strand). Cytogenetic location: 9q32.
Variant type: single nucleotide variant.
Coding change: c.4972C>T on transcript NM_032888.4 (MANE Select); coding-DNA position 4972, C replaced by T.
Protein change: p.Gln1658Ter; replaces glutamine 1658 with a stop codon.
Molecular consequence: nonsense.
Genome position (GRCh38, 1-based): chr9:114,306,553, C>T. VCF-style: chr9-114306553-C-T. GRCh37 (hg19) VCF-style: chr9-117068833-C-T.
Other names: short protein forms Q1658*.
Identifiers: ClinVar variation 2852417 (VCV002852417.3), dbSNP rs778661695, ClinGen allele CA374595518.

ClinVar aggregate classification (germline): Pathogenic (1 of 4 stars; one submission).

gnomAD v4.1: 1 of 1,613,994 alleles (0.000062%); highest among the groups gnomAD compares: Non-Finnish European, 0.000085%; no homozygotes.

Submission:

Labcorp Genetics (formerly Invitae), Labcorp
Classification: Pathogenic. Last evaluated: 2023-04-06. Review status: criteria provided, single submitter. Criteria: Invitae Variant Classification Sherloc (09022015). Collection method: clinical testing. Allele origin: germline.
Comment: This sequence change creates a premature translational stop signal (p.Gln1658*) in the COL27A1 gene. It is expected to result in an absent or disrupted protein product. Loss-of-function variants in COL27A1 are known to be pathogenic (PMID: 24986830, 28276056). This variant is present in population databases (no rsID available, gnomAD 0.0009%). This variant has not been reported in the literature in individuals affected with COL27A1-related conditions. For these reasons, this variant has been classified as Pathogenic.

Literature cited by the submitters: PubMed 24986830; PubMed 28276056.